The following continues an entry in ClinVar:

NM_000156.6(GAMT):c.327G>A (p.Lys109=)

Gene: GAMT. ClinVar aggregate classification (germline): Pathogenic. Pathogenic (1).

Submissions 10 to 21 of 21:

Clinical Genetics Laboratory, Skane University Hospital Lund
Classification: Pathogenic. Last evaluated: 2022-05-27. Review status: criteria provided, single submitter. Criteria: ACMG Guidelines, 2015. Collection method: clinical testing. Allele origin: germline. Affected: yes. Not counted in ClinVar's aggregate classification.

Broad Center for Mendelian Genomics, Broad Institute of MIT and Harvard
Classification: Pathogenic for Cerebral creatine deficiency syndrome. Last evaluated: 2021-11-02. Review status: criteria provided, single submitter. Criteria: ACMG Guidelines, 2015. Collection method: curation. Allele origin: germline. Inheritance: Autosomal recessive inheritance. Not counted in ClinVar's aggregate classification.
Comment: The p.Lys109= variant in GAMT has been reported in >10 individuals with cerebral creatine deficiency syndrome (PMID: 8651275, 1978605, 24268530, 1902733, 23660394), segregated with disease in 4 affected relatives from 4 families (PMID: 24268530, 19027335), and has been identified in 0.04% (34/86230) of European (non-Finnish) chromosomes by the Genome Aggregation Database (gnomAD; dbSNP ID: rs80338735). Although this variant has been seen in the general population in a heterozygous state, its frequency is low enough to be consistent with a recessive carrier frequency. Of the affected individuals, at least 12 of those were homozygotes, and at least 8 were compound heterozygotes that carried reported pathogenic/likely pathogenic variants in trans or with unknown phase, which increases the likelihood that the p.Lys109= variant is pathogenic (VariationID: 328352, 431959, 8302; PMID: 8651275, 1978605, 24268530, 1902733, 23660394). This variant has also been reported in ClinVar (Variation ID#: 21065) and has been interpreted as pathogenic by Illumina Clinical Services Laboratory, (Illumina), Integrated Genetics (Laboratory Corporation of America), Cytogenetics and Genomics Lab (Cyprus Institute Of Neurology and Genetics), Fulgent Genetics, GeneDx, Invitae, GeneReviews, Natera, Inc. In vitro functional studies provide evidence that the p.Lys109= variant impacts protein function (PMID: 8651275). However, these types of assays may not accurately represent biological function. This variant is located in the last three bases of the exon, which is part of the 3’ splice region. Computational tools do suggest an impact to splicing. The phenotype of individuals homozygous or compound heterozygous for this variant is highly specific for cerebral creatine deficiency syndrome based on strict biochemical investigations consistent with disease (PMID: 23660394, 22019491, 24766785, 8651275, 19027335). In summary, this variant meets criteria to be classified as pathogenic for autosomal recessive cerebral creatine deficiency syndrome. ACMG/AMP Criteria applied: PM3_strong, PS3, PP3, PM2_supporting, PP4 (Richards 2015).

Institute of Medical Genetics and Applied Genomics, University Hospital Tübingen
Classification: Pathogenic. Last evaluated: 2021-06-17. Review status: criteria provided, single submitter. Criteria: ACMG Guidelines, 2015. Collection method: clinical testing. Allele origin: germline. Inheritance: Autosomal recessive inheritance. Affected: yes. Not counted in ClinVar's aggregate classification.

GeneDx
Classification: Pathogenic. Last evaluated: 2020-08-21. Review status: criteria provided, single submitter. Criteria: GeneDx Variant Classification Process June 2021. Collection method: clinical testing. Allele origin: germline. Affected: yes. Not counted in ClinVar's aggregate classification.
Comment: RNA studies indicate that this variant causes abnormal gene splicing (Stockler et al., 1996; Dhar et al., 2009); This variant is associated with the following publications: (PMID: 25852444, 28055022, 22019491, 11978605, 8651275, 24766785, 24268530, 26319512, 16855203, 28119378, 19027335, 32606525, 31980526)

Cytogenetics and Genomics Lab, Cyprus Institute Of Neurology and Genetics
Classification: Pathogenic for Deficiency of guanidinoacetate methyltransferase. Last evaluated: 2020-06-17. Review status: criteria provided, single submitter. Criteria: ACMG Guidelines, 2015. Collection method: research. Allele origin: inherited. Inheritance: Autosomal recessive inheritance. Affected: yes. Observed: 1 homozygote. Not counted in ClinVar's aggregate classification.

CeGaT Center for Human Genetics Tuebingen
Classification: Pathogenic. Last evaluated: 2019-09-01. Review status: criteria provided, single submitter. Criteria: CeGaT Center For Human Genetics Tuebingen Variant Classification Criteria Version 2. Collection method: clinical testing. Allele origin: germline. Affected: yes. Observed: 1 variant allele. Not counted in ClinVar's aggregate classification.

Women's Health and Genetics/Laboratory Corporation of America, LabCorp
Classification: Pathogenic for Deficiency of guanidinoacetate methyltransferase. Last evaluated: 2018-02-01. Review status: criteria provided, single submitter. Criteria: LabCorp Variant Classification Summary - May 2015. Collection method: clinical testing. Allele origin: germline. Not counted in ClinVar's aggregate classification.
Comment: Variant summary: GAMT c.327G>A (p.Lys109Lys) alters a conserved nucleotide located close to a canonical splice site and therefore could affect mRNA splicing, leading to a significantly altered protein sequence. Several computational tools predict a significant impact on normal splicing: Three predict the variant abolishes a 5 splicing donor site. These predictions are confirmed in a publication via RT-PCR analysis (though the results were not presented for evaluation; Stockler_1996). The same publication presented data showing that the activity of GAMT is significantly reduced in two patient's liver cells compared to WT, suggesting the variant affects protein function. The variant allele was found at a frequency of 0.00019 in 197356 control chromosomes. The c.327G>A variant has been reported in the literature in numerous individuals affected with Guanidinoactetate methyltransferase deficiency, both as homozygous and compound heterozygous alleles. These data indicate that the variant is very likely to be associated with disease. Additionally, in the literature it has been referred to as one of the most common mutations associated with Guanidinoactetate methyltransferase deficiency. Two clinical diagnostic laboratories have submitted clinical-significance assessments for this variant to ClinVar after 2014 without evidence for independent evaluation, both of which classified the variant as pathogenic. Based on the evidence outlined above, the variant was classified as pathogenic.

Illumina Laboratory Services, Illumina
Classification: Pathogenic for Deficiency of guanidinoacetate methyltransferase. Last evaluated: 2017-04-27. Review status: criteria provided, single submitter. Criteria: ICSL Variant Classification Criteria 09 May 2019. Collection method: clinical testing. Allele origin: germline. Not counted in ClinVar's aggregate classification.
Comment: The GAMT c.327G>A (p.Lys109=) variant is reported as one of the most frequently observed pathogenic variants among patients with guanidinoacetate methyltransferase deficiency accounting for 24% of disease associated alleles (Mercimek-Mahmutoglu and Salomons 2015). Across a selection of the available literature, the p.Lys109= variant has been identified in a total of 15 individuals including four in a homozygous state and 11 in a compound heterozygous state (Stockler et al. 1996; Morris et al. 2007; Dhar et al. 2009; Comeaux et al. 2013; Mercimek-Mahmutoglu et al. 2014). Unaffected heterozygous carriers of the variant were observed in two families (Stockler et al. 1996). Control data are unavailable for this variant, which is reported at a frequency of 0.00031 in the European (non-Finnish) population of the Exome Aggregation Consortium. The variant affects the last nucleotide of the splice donor site of exon 2. Experimental analysis showed the variant results in two abnormal transcripts, one from the use of a cryptic splice site in intron 2 and one resulting from skipping of exon 2. Both abnormal transcripts were identified in one compound heterozygous individual and one homozygous individual, demonstrating the effect on splicing of the variant (Stockler et al. 1996). Based on the collective evidence, the p.Lys109= variant is classified as pathogenic for guanidinoacetate methyltransferase deficiency. This variant was observed by ICSL as part of a predisposition screen in an ostensibly healthy population.

Solve-RD Consortium
Classification: Likely pathogenic for Deficiency of guanidinoacetate methyltransferase. Last evaluated: 2022-06-01. Review status: no assertion criteria provided. Collection method: provider interpretation. Allele origin: inherited. Affected: yes. Not counted in ClinVar's aggregate classification.
Comment: Variant confirmed as disease-causing by referring clinical team

Variant identified during reanalysis of unsolved cases by the Solve-RD project. The Solve-RD project has received funding from the European Union’s Horizon 2020 research and innovation programme under grant agreement No 779257.

OMIM
Classification: Pathogenic for CEREBRAL CREATINE DEFICIENCY SYNDROME 2. Last evaluated: 1997-10-01. Review status: no assertion criteria provided. Collection method: literature only. Allele origin: germline. Not counted in ClinVar's aggregate classification.

GeneReviews
No classification provided. Condition: Deficiency of guanidinoacetate methyltransferase. Review status: no classification provided. Collection method: literature only. Allele origin: unknown. Not counted in ClinVar's aggregate classification.

Genomics England Pilot Project, Genomics England
Classification: Pathogenic for Deficiency of guanidinoacetate methyltransferase. Review status: no assertion criteria provided. Criteria: ACGS Guidelines, 2016. Collection method: clinical testing. Allele origin: germline. Affected: yes. Not counted in ClinVar's aggregate classification.

Literature cited by the submitters: PubMed 8651275 (cited by 9 submitters); PubMed 17171576 (cited by 4 submitters); PubMed 19027335 (cited by 4 submitters); PubMed 2476685 (cited by Labcorp Genetics (formerly Invitae), Labcorp); PubMed 22019491 (cited by 3 submitters); PubMed 24415674 (cited by 3 submitters); PubMed 17576681 (cited by Labcorp Genetics (formerly Invitae), Labcorp); PubMed 9536098 (cited by Labcorp Genetics (formerly Invitae), Labcorp); PubMed 11978605 (cited by 3 submitters); PubMed 24268530 (cited by 4 submitters); PubMed 24766785 (cited by Dasa); PubMed 23660394 (cited by 4 submitters); PubMed 16855203 (cited by Ambry Genetics and Cytogenetics and Genomics Lab, Cyprus Institute Of Neurology and Genetics); PubMed 29506905 (cited by Ambry Genetics); PubMed 34324503 (cited by Ambry Genetics); PubMed 34738359 (cited by Ambry Genetics); PubMed 37808418 (cited by Ambry Genetics); PubMed 39825153 (cited by Solve-RD Consortium); PubMed 9386672 (cited by OMIM); PubMed 20301745 (cited by GeneReviews); NCBI Bookshelf NBK3794 (cited by GeneReviews).